The following is an entry in ClinVar:

NM_017852.5(NLRP2):c.2202-222A>G

Gene: NLRP2 (NLR family pyrin domain containing 2; plus strand). Cytogenetic location: 19q13.42.
Variant type: single nucleotide variant.
Coding change: c.2202-222A>G on transcript NM_017852.5 (MANE Select); 222 bases into the intron before coding-DNA position 2202, A replaced by G.
Molecular consequence: intron variant.
Genome position (GRCh38, 1-based): chr19:54,985,929, A>G. VCF-style: chr19-54985929-A-G. GRCh37 (hg19) VCF-style: chr19-55497297-A-G.
Other names: c.2202-222A>G (NM_001174081.3); c.2193-222A>G (NM_001348003.2); c.2136-222A>G (NM_001174082.3); c.2133-222A>G (NM_001174083.2).
Identifiers: ClinVar variation 103057 (VCV000103057.2), dbSNP rs199475722, ClinGen allele CA230042.

ClinVar aggregate classification (germline): not provided (0 of 4 stars; one submission).

Allele frequency attached by ClinVar (database versions not stated): gnomAD 0.00001 and 0.00003; TOPMed 0.00002; 1000 Genomes Project 30x 0.00016; 1000 Genomes Project 0.00020.
gnomAD v4.1: 4 of 152,088 alleles (0.0026%); highest among the groups gnomAD compares: East Asian, 0.078%; no homozygotes.

Submission:

Human Evolutionary Genetics, Institut Pasteur
No classification provided. Review status: no classification provided. Collection method: not provided. Allele origin: germline.
ClinVar note: Converted during submission from untested to not provided.